The following is an entry in ClinVar:

NM_030928.4(CDT1):c.1273C>T (p.Arg425Trp)

Gene: CDT1 (chromatin licensing and DNA replication factor 1; plus strand). Cytogenetic location: 16q24.3.
Variant type: single nucleotide variant.
Coding change: c.1273C>T on transcript NM_030928.4 (MANE Select); coding-DNA position 1273, C replaced by T.
Protein change: p.Arg425Trp; replaces arginine 425 with tryptophan.
Molecular consequence: missense variant.
Genome position (GRCh38, 1-based): chr16:88,807,201, C>T. VCF-style: chr16-88807201-C-T. GRCh37 (hg19) VCF-style: chr16-88873609-C-T.
Other names: short protein forms R425W.
Identifiers: ClinVar variation 1976913 (VCV001976913.5), dbSNP rs368049819, ClinGen allele CA8234075.

ClinVar aggregate classification (germline): Uncertain significance. Review status: criteria provided, multiple submitters, no conflicts (2 of 4 stars). 2 submissions from 2 submitters: Uncertain significance (2). Last evaluated 2022-04-30.

Conditions:
Inborn genetic diseases. Identifiers: MedGen C0950123, MeSH D030342.

Allele frequency attached by ClinVar (database versions not stated): TOPMed 0.00002; gnomAD 0.00003; gnomAD exomes 0.00004; ExAC 0.00005; ESP Exome Variant Server 0.00008.

Submissions (2):

Labcorp Genetics (formerly Invitae), Labcorp
Classification: Uncertain significance. Last evaluated: 2022-04-30. Review status: criteria provided, single submitter. Criteria: Invitae Variant Classification Sherloc (09022015). Collection method: clinical testing. Allele origin: germline.
Comment: In summary, the available evidence is currently insufficient to determine the role of this variant in disease. Therefore, it has been classified as a Variant of Uncertain Significance. Algorithms developed to predict the effect of missense changes on protein structure and function are either unavailable or do not agree on the potential impact of this missense change (SIFT: "Deleterious"; PolyPhen-2: "Probably Damaging"; Align-GVGD: "Class C0"). This variant has not been reported in the literature in individuals affected with CDT1-related conditions. This variant is present in population databases (rs368049819, gnomAD 0.04%). This sequence change replaces arginine, which is basic and polar, with tryptophan, which is neutral and slightly polar, at codon 425 of the CDT1 protein (p.Arg425Trp).

Ambry Genetics
Classification: Uncertain significance for Inborn genetic diseases. Last evaluated: 2021-08-12. Review status: criteria provided, single submitter. Criteria: Ambry Variant Classification Scheme 2023. Collection method: clinical testing. Allele origin: germline.